The following is an entry in ClinVar:

NM_000052.7(ATP7A):c.1945C>T (p.Gln649Ter)

Gene: ATP7A (ATPase copper transporting alpha; plus strand). Cytogenetic location: Xq21.1.
Variant type: single nucleotide variant.
Coding change: c.1945C>T on transcript NM_000052.7 (MANE Select); coding-DNA position 1945, C replaced by T.
Protein change: p.Gln649Ter; replaces glutamine 649 with a stop codon.
Molecular consequence: nonsense.
Genome position (GRCh38, 1-based): chrX:78,011,251, C>T. VCF-style: chrX-78011251-C-T. GRCh37 (hg19) VCF-style: chrX-77266748-C-T.
Other names: c.1945C>T, p.Gln649Ter (NM_001282224.2); short protein forms Q649*.
Identifiers: ClinVar variation 2062012 (VCV002062012.4), dbSNP rs2522348387, ClinGen allele CA413598055.

ClinVar aggregate classification (germline): Pathogenic (1 of 4 stars; one submission).

Conditions:
Menkes kinky-hair syndrome (MNK). Also called: Copper transport disease; Menkes Disease; Classic Menkes Disease. Identifiers: Orphanet 565, MedGen C0022716, MONDO:0010651, OMIM 309400.
X-linked distal spinal muscular atrophy type 3. Also called: ATP7A-Related Distal Motor Neuropathy; SPINAL MUSCULAR ATROPHY, DISTAL, X-LINKED RECESSIVE; NEURONOPATHY, DISTAL HEREDITARY MOTOR, X-LINKED; NEUROPATHY, DISTAL HEREDITARY MOTOR, X-LINKED. Identifiers: Orphanet 139557, MedGen C1845359, MONDO:0010338, OMIM 300489.
Cutis laxa, X-linked (OHS). Also called: EDS IX; Occipital horn syndrome. Identifiers: Orphanet 198, MedGen C0268353, MONDO:0010572, OMIM 304150.

Submission:

Labcorp Genetics (formerly Invitae), Labcorp
Classification: Pathogenic for X-linked distal spinal muscular atrophy type 3; Cutis laxa, X-linked; Menkes kinky-hair syndrome. Last evaluated: 2021-12-27. Review status: criteria provided, single submitter. Criteria: Invitae Variant Classification Sherloc (09022015). Collection method: clinical testing. Allele origin: germline.
Comment: For these reasons, this variant has been classified as Pathogenic. This variant has not been reported in the literature in individuals affected with ATP7A-related conditions. This variant is not present in population databases (gnomAD no frequency). This sequence change creates a premature translational stop signal (p.Gln649*) in the ATP7A gene. It is expected to result in an absent or disrupted protein product. Loss-of-function variants in ATP7A are known to be pathogenic (PMID: 11241493, 20652413).

Literature cited by the submitters: PubMed 11241493; PubMed 20652413.